The following is an entry in ClinVar:

NM_025137.4(SPG11):c.6826_6843+8del

Gene: SPG11 (SPG11 vesicle trafficking associated, spatacsin; minus strand). Cytogenetic location: 15q21.1.
Variant type: Deletion.
Coding change: c.6826_6843+8del on transcript NM_025137.4 (MANE Select); coding-DNA position 6826 through 8 bases into the intron after coding-DNA position 6843, 26 bases deleted (GCAGAGAGTTATGCCAAGGTAACCCA).
Molecular consequence: splice donor variant.
Genome position (GRCh38, 1-based): chr15:44,566,209-44,566,234, TGGGTTACCTTGGCATAACTCTCTGC deleted on the plus strand (GCAGAGAGTTATGCCAAGGTAACCCA on the coding strand, the reverse complement: SPG11 is on the minus strand); deleting any 26 consecutive bases within chr15:44,566,209-44,566,236 gives the same sequence; the c. name uses the placement nearest the transcript's 3' end. VCF-style (leftmost placement, unchanged base first): chr15-44566208-TTGGGTTACCTTGGCATAACTCTCTGC-T. GRCh37 (hg19) VCF-style: chr15-44858406-TTGGGTTACCTTGGCATAACTCTCTGC-T.
Other names: c.6487_6504+8del (NM_001160227.2); c.6826_6843+8delGCAGAGAGTTATGCCAAGGTAACCCA (NM_025137.3).
Identifiers: ClinVar variation 652927 (VCV000652927.8), dbSNP rs1595817498, ClinGen allele CA915946561.

ClinVar aggregate classification (germline): Likely pathogenic (1 of 4 stars; one submission).

Conditions:
Hereditary spastic paraplegia 11. Also called: Spastic Paraplegia 11; SPASTIC PARAPLEGIA, AUTOSOMAL RECESSIVE, COMPLICATED, WITH THIN CORPUS CALLOSUM; SPASTIC PARAPLEGIA, AUTOSOMAL RECESSIVE, WITH MENTAL IMPAIRMENT AND THIN CORPUS CALLOSUM; Spastic paraplegia, mental retardation and thin corpus callosum; Nakamura Osame syndrome; Autosomal recessive hereditary spastic paraplegia, mental impairment, and thin corpus callosum. Identifiers: Orphanet 2822, MedGen C1858479, MONDO:0011445, OMIM 604360.

Submission:

Labcorp Genetics (formerly Invitae), Labcorp
Classification: Likely pathogenic for Hereditary spastic paraplegia 11. Last evaluated: 2023-05-02. Review status: criteria provided, single submitter. Criteria: Invitae Variant Classification Sherloc (09022015). Collection method: clinical testing. Allele origin: germline.
Comment: In summary, the currently available evidence indicates that the variant is pathogenic, but additional data are needed to prove that conclusively. Therefore, this variant has been classified as Likely Pathogenic. Algorithms developed to predict the effect of sequence changes on RNA splicing suggest that this variant may disrupt the consensus splice site. ClinVar contains an entry for this variant (Variation ID: 652927). This variant has not been reported in the literature in individuals affected with SPG11-related conditions. This variant is not present in population databases (gnomAD no frequency). This variant results in the deletion of part of exon 37 (c.6826_6843+8del) of the SPG11 gene. It is expected to disrupt RNA splicing. Variants that disrupt the donor or acceptor splice site typically lead to a loss of protein function (PMID: 16199547), and loss-of-function variants in SPG11 are known to be pathogenic (PMID: 19105190, 20110243, 22154821, 26556829).

Literature cited by the submitters: PubMed 16199547; PubMed 19105190; PubMed 20110243; PubMed 22154821; PubMed 26556829.